The following is an entry in ClinVar:

NM_032043.2(BRIP1):c.2493-?_2575+?dup

Gene: BRIP1 (BRCA1 interacting DNA helicase 1; minus strand).
Variant type: Duplication.
Coding change: c.2493-?_2575+?dup on transcript NM_032043.2.
Other names: c.2493-?_2575+?dup (LRG_300t1).
Identifiers: ClinVar variation 254030 (VCV000254030.2).

ClinVar aggregate classification (germline): Likely pathogenic (1 of 4 stars; one submission).

Conditions:
Fanconi anemia complementation group J. Also called: BRIP1-Related Fanconi Anemia. Identifiers: Orphanet 84, MedGen C1836860, MONDO:0012187, OMIM 609054.
Familial cancer of breast. Also called: BREAST CANCER, FAMILIAL; Hereditary breast cancer; hereditary breast carcinoma. Identifiers: Orphanet 227535, MedGen C0346153, MONDO:0016419, OMIM 114480. Disease mechanism: loss of function.

Submission:

Labcorp Genetics (formerly Invitae), Labcorp
Classification: Likely pathogenic for Familial cancer of breast; Fanconi anemia complementation group J. Last evaluated: 2015-11-03. Review status: criteria provided, single submitter. Criteria: Invitae Variant Classification Sherloc (09022015). Collection method: clinical testing. Allele origin: germline.
Comment: This variant is a gross duplication of the genomic region encompassing exon 18 of the BRIP1 gene. The duplicated copy of this region is likely in tandem and may result in an absent or disrupted protein product. While this particular variant has not been reported in the literature, truncating variants in BRIP1 are known to be pathogenic (PMID: 16116423, 17033622, 21964575). Although this duplication is likely in tandem and may result in an absent or disrupted protein, the exact location of the duplicated exon has not been confirmed. For these reasons, this variant has been classified as Likely Pathogenic.